The following is an entry in ClinVar:

NM_005630.3(SLCO2A1):c.1625G>A (p.Arg542His)

Gene: SLCO2A1 (solute carrier organic anion transporter family member 2A1; minus strand). Cytogenetic location: 3q22.1.
Variant type: single nucleotide variant.
Coding change: c.1625G>A on transcript NM_005630.3 (MANE Select); coding-DNA position 1625, G replaced by A.
Protein change: p.Arg542His; replaces arginine 542 with histidine.
Molecular consequence: missense variant.
Genome position (GRCh38, 1-based): chr3:133,942,605, C>T on the plus strand (G>A on the coding strand, the complement: SLCO2A1 is on the minus strand). VCF-style: chr3-133942605-C-T. GRCh37 (hg19) VCF-style: chr3-133661449-C-T.
Other names: short protein forms R542H.
Identifiers: ClinVar variation 1316017 (VCV001316017.2), dbSNP rs770432752, ClinGen allele CA2626402.
Genomic context (GRCh38, chr3:133,942,605, plus strand): 5'-CAAAGGGAGATGTGGGGAAGGAGAAGCCACGCCCCAGACTCACAGAGGTTTGCCACTCAC[C>T]GCAGAACCATCATGTAGAGGGGGTTGTGGGAGATGCAGGCTATCAGGGACACGAAGGAGA-3'
Protein context (NP_005621.2, residues 532-552): SHNPLYMMVL[Arg542His]VVNQEEKSFA

ClinVar aggregate classification (germline): Uncertain significance (1 of 4 stars; one submission).

Allele frequency attached by ClinVar (database versions not stated): ExAC 0.00001; gnomAD exomes 0.00001; 1000 Genomes Project 30x 0.00016.
gnomAD v4.1: 42 of 1,609,888 alleles (0.0026%); highest among the groups gnomAD compares: Non-Finnish European, 0.0033%; no homozygotes.

Submission:

GeneDx
Classification: Uncertain significance. Last evaluated: 2019-11-29. Review status: criteria provided, single submitter. Criteria: GeneDx Variant Classification Process June 2021. Collection method: clinical testing. Allele origin: germline. Affected: yes.
Comment: Not observed at a significant frequency in large population cohorts (Lek et al., 2016); In silico analysis, which includes protein predictors and evolutionary conservation, supports a deleterious effect; Has not been previously published as pathogenic or benign to our knowledge